The following is an entry in ClinVar:

ClinVar aggregate classification (germline): Uncertain significance (1 of 4 stars; one submission).

Conditions:
Cardiovascular phenotype. Identifiers: MedGen CN230736.

Submission:

Ambry Genetics
Classification: Uncertain significance for Cardiovascular phenotype. Last evaluated: 2026-05-14. Review status: criteria provided, single submitter. Criteria: Ambry Variant Classification Scheme 2023. Collection method: clinical testing. Allele origin: germline.
Comment: The p.G525D variant (also known as c.1574G>A), located in coding exon 11 of the CBL gene, results from a G to A substitution at nucleotide position 1574. The glycine at codon 525 is replaced by aspartic acid, an amino acid with similar properties. This amino acid position is conserved. In addition, this alteration is predicted to be tolerated by in silico analysis. Based on the available evidence, the clinical significance of this variant remains unclear.

NM_005188.4(CBL):c.1574G>A (p.Gly525Asp)

Gene: CBL (Cbl proto-oncogene; plus strand). Cytogenetic location: 11q23.3.
Variant type: single nucleotide variant.
Coding change: c.1574G>A on transcript NM_005188.4 (MANE Select); coding-DNA position 1574, G replaced by A.
Protein change: p.Gly525Asp; replaces glycine 525 with aspartic acid.
Molecular consequence: missense variant.
Genome position (GRCh38, 1-based): chr11:119,285,199, G>A. VCF-style: chr11-119285199-G-A. GRCh37 (hg19) VCF-style: chr11-119155909-G-A.
Other names: short protein forms G525D.
Identifiers: ClinVar variation 4868249 (VCV004868249.1).